The following is an entry in ClinVar:

NM_016138.5(COQ7):c.20C>T (p.Ala7Val)

Genes: COQ7 (coenzyme Q7, hydroxylase; plus strand), COQ7-DT (COQ7 divergent transcript; minus strand), LOC130058587 (ATAC-STARR-seq lymphoblastoid silent region 7240; plus strand). Cytogenetic location: 16p12.3.
Variant type: single nucleotide variant.
Coding change: c.20C>T on transcript NM_016138.5 (MANE Select); coding-DNA position 20, C replaced by T.
Protein change: p.Ala7Val; replaces alanine 7 with valine.
Molecular consequence: missense variant. On other transcripts: non-coding transcript variant (5).
Genome position (GRCh38, 1-based): chr16:19,067,684, C>T. VCF-style: chr16-19067684-C-T. GRCh37 (hg19) VCF-style: chr16-19079006-C-T.
Other names: c.20C>T, p.Ala7Val (NM_001370490.1); short protein forms A7V.
Identifiers: ClinVar variation 1479935 (VCV001479935.4), dbSNP rs751620448, ClinGen allele CA7932826.
Genomic context (GRCh38, chr16:19,067,684, plus strand): 5'-AGTTCCGTTCAACGAAGTGGTTGCTTTTTTTAGTTCCGGCAATGAGTTGCGCCGGGGCGG[C>T]GGCGGCTCCCCGCCTTTGGCGGCTGCGCCCGGGGGCCCGGCGGTCCCTCTCAGGTAAAAG-3'
Protein context (NP_057222.2, residues 1-17): MSCAGA[Ala7Val]AAPRLWRLRP

ClinVar aggregate classification (germline): Uncertain significance (1 of 4 stars; one submission).

Allele frequency attached by ClinVar (database versions not stated): gnomAD 0.00006 and 0.00007; gnomAD exomes 0.00008 and 0.00021; TOPMed 0.00010; ExAC 0.00014; 1000 Genomes Project 30x 0.00031.
gnomAD v4.1: 124 of 1,610,862 alleles (0.0077%); highest among the groups gnomAD compares: Admixed American, 0.087%; no homozygotes.

Submission:

Labcorp Genetics (formerly Invitae), Labcorp
Classification: Uncertain significance. Last evaluated: 2024-01-22. Review status: criteria provided, single submitter. Criteria: Invitae Variant Classification Sherloc (09022015). Collection method: clinical testing. Allele origin: germline.
Comment: This sequence change replaces alanine, which is neutral and non-polar, with valine, which is neutral and non-polar, at codon 7 of the COQ7 protein (p.Ala7Val). This variant is present in population databases (rs751620448, gnomAD 0.1%). This variant has not been reported in the literature in individuals affected with COQ7-related conditions. ClinVar contains an entry for this variant (Variation ID: 1479935). Algorithms developed to predict the effect of missense changes on protein structure and function output the following: SIFT: "Not Available"; PolyPhen-2: "Benign"; Align-GVGD: "Not Available". The valine amino acid residue is found in multiple mammalian species, which suggests that this missense change does not adversely affect protein function. In summary, the available evidence is currently insufficient to determine the role of this variant in disease. Therefore, it has been classified as a Variant of Uncertain Significance.